The following is an entry in ClinVar:

NM_000195.5(HPS1):c.473G>A (p.Arg158His)

Gene: HPS1 (HPS1 biogenesis of lysosomal organelles complex 3 subunit 1; minus strand). Cytogenetic location: 10q24.2.
Variant type: single nucleotide variant.
Coding change: c.473G>A on transcript NM_000195.5 (MANE Select); coding-DNA position 473, G replaced by A.
Protein change: p.Arg158His; replaces arginine 158 with histidine.
Molecular consequence: missense variant. On other transcripts: 5 prime UTR variant (3), synonymous variant (3).
Genome position (GRCh38, 1-based): chr10:98,434,017, C>T on the plus strand (G>A on the coding strand, the complement: HPS1 is on the minus strand). VCF-style: chr10-98434017-C-T. GRCh37 (hg19) VCF-style: chr10-100193774-C-T.
Other names: c.-444G>A (NM_001311345.2, NM_001322489.2); c.473G>A, p.Arg158His (NM_001322476.2, NM_001322477.2, NM_001322478.2 and 5 more transcripts); c.330G>A, p.Pro110= (NM_001322480.2, NM_001322481.2, NM_001322482.2); c.104G>A, p.Arg35His (NM_001322483.2, NM_001322484.2, NM_001322485.2); c.-543G>A (NM_001322487.2); short protein forms R158H, R35H.
Identifiers: ClinVar variation 879140 (VCV000879140.10), dbSNP rs140480324, ClinGen allele CA5639397.

ClinVar aggregate classification (germline): Uncertain significance. Review status: criteria provided, multiple submitters, no conflicts (2 of 4 stars). 6 submissions from 6 submitters: Uncertain significance (6). Last evaluated 2026-04-07.

Conditions:
Hermansky-Pudlak syndrome 1 (HPS1). Also called: DELTA STORAGE POOL DISEASE. Identifiers: Orphanet 231500, Orphanet 79430, MedGen C2931875, MONDO:0008748, OMIM 203300.

Allele frequency attached by ClinVar (database versions not stated): gnomAD 0.00033 and 0.00036; TOPMed 0.00026; gnomAD exomes 0.00014; ESP Exome Variant Server 0.00023; ExAC 0.00025.
gnomAD v4.1: 376 of 1,558,548 alleles (0.024%); highest among the groups gnomAD compares: Non-Finnish European, 0.03%; no homozygotes.

Submissions (6):

GeneDx
Classification: Uncertain significance. Last evaluated: 2026-04-07. Review status: criteria provided, single submitter. Criteria: GeneDx Variant Classification Process June 2021. Collection method: clinical testing. Allele origin: germline.
Comment: Identified in the heterozygous state in a patient with ocular albinism in published literature, although this patient was found to have variants in multiple other genes (PMID: 18326704); In silico analysis suggests that this missense variant does not alter protein structure/function; This variant is associated with the following publications: (PMID: 18326704)

Women's Health and Genetics/Laboratory Corporation of America, LabCorp
Classification: Uncertain significance. Last evaluated: 2026-02-02. Review status: criteria provided, single submitter. Criteria: LabCorp Variant Classification Summary - May 2015. Collection method: clinical testing. Allele origin: germline.
Comment: Variant summary: HPS1 c.473G>A (p.Arg158His) results in a non-conservative amino acid change in the encoded protein sequence. Algorithms developed to predict the effect of missense changes on protein structure and function are either unavailable or do not agree on the potential impact of this missense change. The variant allele was found at a frequency of 0.00014 in 166620 control chromosomes (gnomAD). This frequency is not significantly higher than estimated for disease-causing variants in HPS1, allowing no conclusion about variant significance. c.473G>A has been observed in heterozygous state in individuals affected with ocular albinism and bleeding disorder (Hutton_2008, Leinoe_2017). These report(s) do not provide unequivocal conclusions about association of the variant with Hermansky-Pudlak Syndrome. To our knowledge, no experimental evidence demonstrating an impact on protein function has been reported. The following publications have been ascertained in the context of this evaluation (PMID: 18326704, 28748566). ClinVar contains an entry for this variant (Variation ID: 879140). Based on the evidence outlined above, the variant was classified as uncertain significance.

Fulgent Genetics
Classification: Uncertain significance for Hermansky-Pudlak syndrome 1. Last evaluated: 2024-04-30. Review status: criteria provided, single submitter. Criteria: ACMG Guidelines, 2015. Collection method: clinical testing. Allele origin: germline.

Department of Pathology and Laboratory Medicine, Sinai Health System
Classification: Uncertain significance for Hermansky-Pudlak syndrome 1. Last evaluated: 2022-10-14. Review status: criteria provided, single submitter. Criteria: ACMG Guidelines, 2015. Collection method: research. Allele origin: germline.

Labcorp Genetics (formerly Invitae), Labcorp
Classification: Uncertain significance. Last evaluated: 2022-08-19. Review status: criteria provided, single submitter. Criteria: Invitae Variant Classification Sherloc (09022015). Collection method: clinical testing. Allele origin: germline.
Comment: This sequence change replaces arginine, which is basic and polar, with histidine, which is basic and polar, at codon 158 of the HPS1 protein (p.Arg158His). This variant is present in population databases (rs140480324, gnomAD 0.03%). This missense change has been observed in individual(s) with ocular albinism (PMID: 18326704). ClinVar contains an entry for this variant (Variation ID: 879140). Algorithms developed to predict the effect of missense changes on protein structure and function output the following: SIFT: "Tolerated"; PolyPhen-2: "Benign"; Align-GVGD: "Class C0". The histidine amino acid residue is found in multiple mammalian species, which suggests that this missense change does not adversely affect protein function. In summary, the available evidence is currently insufficient to determine the role of this variant in disease. Therefore, it has been classified as a Variant of Uncertain Significance.

Illumina Laboratory Services, Illumina
Classification: Uncertain significance for Hermansky-Pudlak syndrome 1. Last evaluated: 2017-04-27. Review status: criteria provided, single submitter. Criteria: ICSL Variant Classification Criteria 13 December 2019. Collection method: clinical testing. Allele origin: germline.
Comment: This variant was observed as part of a predisposition screen in an ostensibly healthy population. A literature search was performed for the gene, cDNA change, and amino acid change (where applicable). Publications were found based on this search. However, the evidence from the literature, in combination with allele frequency data from public databases where available, was not sufficient to rule this variant in or out of causing disease. Therefore, this variant is classified as a variant of unknown significance.

Literature cited by the submitters: PubMed 28748566 (cited by Women's Health and Genetics/Laboratory Corporation of America, LabCorp); PubMed 18326704 (cited by 3 submitters).